The following is an entry in ClinVar:

ClinVar aggregate classification (germline): Pathogenic/Likely pathogenic. Review status: criteria provided, multiple submitters, no conflicts (2 of 4 stars). 2 submissions from 2 submitters: Pathogenic (1); Likely pathogenic (1). Last evaluated 2024-08-29.

Conditions:
Mucopolysaccharidosis, MPS-III-B (MPS3B). Also called: N-ACETYL-ALPHA-D-GLUCOSAMINIDASE DEFICIENCY; NAGLU DEFICIENCY; SANFILIPPO SYNDROME B; MPS III B; Mucopolysaccharidosis type IIIB (Sanfilippo B); MPS IIIB (Sanfilippo Syndrome Type B). Identifiers: Orphanet 79270, MedGen C0086648, MONDO:0009656, OMIM 252920.
Charcot-Marie-Tooth disease axonal type 2V. Also called: CHARCOT-MARIE-TOOTH NEUROPATHY, TYPE 2V; CHARCOT-MARIE-TOOTH DISEASE, AXONAL, AUTOSOMAL DOMINANT, TYPE 2V. Identifiers: Orphanet 447964, MedGen C5569050, MONDO:0014665, OMIM 616491.

Submissions (2):

Natera, Inc.
Classification: Likely pathogenic for Mucopolysaccharidosis type IIIB. Last evaluated: 2024-08-29. Review status: criteria provided, single submitter. Criteria: Natera Variant Classification Schema (03/2026). Collection method: clinical testing. Allele origin: germline.
Comment: The c.741del variant in NAGLU is a frameshift variant predicted to shift the reading frame beginning at codon 248 and leads to a stop codon 52 codons downstream. This variant is expected to result in nonsense mediated decay, truncation, or a dysfunctional protein product. This variant is rare in the general population with a frequency below the threshold expected for the associated phenotype(s). Given the available evidence, this variant is classified as Likely Pathogenic.

Labcorp Genetics (formerly Invitae), Labcorp
Classification: Pathogenic for Charcot-Marie-Tooth disease axonal type 2V; Mucopolysaccharidosis, MPS-III-B. Last evaluated: 2022-07-11. Review status: criteria provided, single submitter. Criteria: Invitae Variant Classification Sherloc (09022015). Collection method: clinical testing. Allele origin: germline.
Comment: For these reasons, this variant has been classified as Pathogenic. This variant has not been reported in the literature in individuals affected with NAGLU-related conditions. This variant is not present in population databases (gnomAD no frequency). This sequence change creates a premature translational stop signal (p.His248Metfs*52) in the NAGLU gene. It is expected to result in an absent or disrupted protein product. Loss-of-function variants in NAGLU are known to be pathogenic (PMID: 9832037, 10094189, 16151907).

Literature cited by the submitters: PubMed 9832037 (cited by Labcorp Genetics (formerly Invitae), Labcorp); PubMed 10094189 (cited by Labcorp Genetics (formerly Invitae), Labcorp); PubMed 16151907 (cited by Labcorp Genetics (formerly Invitae), Labcorp).

NM_000263.4(NAGLU):c.741del (p.His248fs)

Gene: NAGLU (N-acetyl-alpha-glucosaminidase; plus strand). Cytogenetic location: 17q21.2.
Variant type: Deletion.
Coding change: c.741del on transcript NM_000263.4 (MANE Select); coding-DNA position 741, one base deleted (G; older notation c.741delG).
Protein change: p.His248fs; shifts the reading frame from histidine 248.
Molecular consequence: frameshift variant.
Genome position (GRCh38, 1-based): chr17:42,538,732, G deleted; the last of 4 consecutive G bases (chr17:42,538,729-42,538,732); deleting any one gives the same sequence. VCF-style (leftmost placement, unchanged base first): chr17-42538728-CG-C. GRCh37 (hg19) VCF-style: chr17-40690746-CG-C.
Other names: c.741del (NM_000263.3); short protein forms H248fs.
Identifiers: ClinVar variation 1999090 (VCV001999090.5), dbSNP rs2510653907, ClinGen allele CA2580093988.
Genomic context (GRCh38, chr17:42,538,728, plus strand): 5'-AGCACCGGGTCCTGGACCAGATGCGCTCCTTCGGCATGACCCCAGTGCTGCCTGCATTCG[CG>C]GGGCATGTTCCCGAGGCTGTCACCAGGTGAGGTTCCGCTCACCCCCTCCACTTAGCTCAG-3'